The following is an entry in ClinVar:

ClinVar aggregate classification (germline): Uncertain significance (1 of 4 stars; one submission).

gnomAD v4.1: 62 of 1,612,450 alleles (0.0038%); highest among the groups gnomAD compares: Middle Eastern, 0.049%; no homozygotes.

Submission:

Dasa
Classification: Uncertain significance. Last evaluated: 2025-02-03. Review status: criteria provided, single submitter. Criteria: DASA Assertion Criteria. Collection method: clinical testing. Allele origin: germline.
Comment: NM_144508.5(KNL1):c.1450A>G (p.Met484Val) is a missense variant that results in the substitution of methionine with valine. This variant is rare in population databases. Computational prediction algorithms are consistent with a benign effect. The currently available literature and clinical evidence are not sufficient to establish a definitive association between this variant and the reported condition. Therefore, this variant is classified as a variant of uncertain significance.

NM_144508.5(KNL1):c.1450A>G (p.Met484Val)

Gene: KNL1 (kinetochore scaffold 1; plus strand). Cytogenetic location: 15q15.1.
Variant type: single nucleotide variant.
Coding change: c.1450A>G on transcript NM_144508.5 (MANE Select); coding-DNA position 1450, A replaced by G.
Protein change: p.Met484Val; replaces methionine 484 with valine.
Molecular consequence: missense variant.
Genome position (GRCh38, 1-based): chr15:40,621,714, A>G. VCF-style: chr15-40621714-A-G. GRCh37 (hg19) VCF-style: chr15-40913912-A-G.
Other names: c.1528A>G, p.Met510Val (NM_170589.5); short protein forms M484V, M510V.
Identifiers: ClinVar variation 4883071 (VCV004883071.2).